The following is an entry in ClinVar:

NM_020247.5(COQ8A):c.177+6G>T

Gene: COQ8A (coenzyme Q8A; plus strand). Cytogenetic location: 1q42.13.
Variant type: single nucleotide variant.
Coding change: c.177+6G>T on transcript NM_020247.5 (MANE Select); 6 bases into the intron after coding-DNA position 177, G replaced by T.
Molecular consequence: intron variant.
Genome position (GRCh38, 1-based): chr1:226,961,568, G>T. VCF-style: chr1-226961568-G-T. GRCh37 (hg19) VCF-style: chr1-227149269-G-T.
Identifiers: ClinVar variation 1968258 (VCV001968258.5), dbSNP rs1658257273, ClinGen allele CA1012990974.

ClinVar aggregate classification (germline): Uncertain significance (1 of 4 stars; one submission).

Allele frequency attached by ClinVar (database versions not stated): gnomAD exomes below 0.00001; gnomAD 0.00001.
gnomAD v4.1: 2 of 1,605,886 alleles (0.00012%); highest among the groups gnomAD compares: Admixed American, 0.0033%; no homozygotes.

Submission:

Labcorp Genetics (formerly Invitae), Labcorp
Classification: Uncertain significance. Last evaluated: 2022-07-23. Review status: criteria provided, single submitter. Criteria: Invitae Variant Classification Sherloc (09022015). Collection method: clinical testing. Allele origin: germline.
Comment: This sequence change falls in intron 2 of the COQ8A gene. It does not directly change the encoded amino acid sequence of the COQ8A protein. It affects a nucleotide within the consensus splice site. This variant is not present in population databases (gnomAD no frequency). In summary, the available evidence is currently insufficient to determine the role of this variant in disease. Therefore, it has been classified as a Variant of Uncertain Significance. Variants that disrupt the consensus splice site are a relatively common cause of aberrant splicing (PMID: 17576681, 9536098). Algorithms developed to predict the effect of sequence changes on RNA splicing suggest that this variant is not likely to affect RNA splicing. This variant has not been reported in the literature in individuals affected with COQ8A-related conditions.

Literature cited by the submitters: PubMed 17576681; PubMed 9536098.